The following is an entry in ClinVar:

NM_006979.3(SLC39A7):c.490C>T (p.Arg164Trp)

Gene: SLC39A7 (solute carrier family 39 member 7; plus strand). Cytogenetic location: 6p21.32.
Variant type: single nucleotide variant.
Coding change: c.490C>T on transcript NM_006979.3 (MANE Select); coding-DNA position 490, C replaced by T.
Protein change: p.Arg164Trp; replaces arginine 164 with tryptophan.
Molecular consequence: missense variant.
Genome position (GRCh38, 1-based): chr6:33,201,823, C>T. VCF-style: chr6-33201823-C-T. GRCh37 (hg19) VCF-style: chr6-33169600-C-T.
Other names: c.490C>T, p.Arg164Trp (NM_001077516.2); c.115C>T, p.Arg39Trp (NM_001288777.2); short protein forms R164W, R39W.
Identifiers: ClinVar variation 1897113 (VCV001897113.4), dbSNP rs747715029, ClinGen allele CA3752265.
Genomic context (GRCh38, chr6:33,201,823, plus strand): 5'-CTGATCTCAGCAGCTCCATTTTTTGTCCTCTTCCTTATCCCCGTGGAGTCGAACTCTCCC[C>T]GGCATCGCTCTCTACTTCAGATCTTGCTCAGTTTTGCTTCCGGTGGGCTCCTGGGAGATG-3'
Protein context (NP_008910.2, residues 154-174): FLIPVESNSP[Arg164Trp]HRSLLQILLS

ClinVar aggregate classification (germline): Uncertain significance (1 of 4 stars; one submission).

Allele frequency attached by ClinVar (database versions not stated): gnomAD exomes below 0.00001; ExAC 0.00001; gnomAD 0.00001; TOPMed 0.00001.

Submission:

Labcorp Genetics (formerly Invitae), Labcorp
Classification: Uncertain significance. Last evaluated: 2021-12-09. Review status: criteria provided, single submitter. Criteria: Invitae Variant Classification Sherloc (09022015). Collection method: clinical testing. Allele origin: germline.
Comment: This sequence change replaces arginine, which is basic and polar, with tryptophan, which is neutral and slightly polar, at codon 164 of the SLC39A7 protein (p.Arg164Trp). In summary, the available evidence is currently insufficient to determine the role of this variant in disease. Therefore, it has been classified as a Variant of Uncertain Significance. Algorithms developed to predict the effect of missense changes on protein structure and function are either unavailable or do not agree on the potential impact of this missense change (SIFT: "Deleterious"; PolyPhen-2: "Probably Damaging"; Align-GVGD: "Class C0"). This variant has not been reported in the literature in individuals affected with SLC39A7-related conditions. This variant is present in population databases (rs747715029, gnomAD 0.0009%).